The following is an entry in ClinVar:

ClinVar aggregate classification (germline): Uncertain significance. Review status: criteria provided, multiple submitters, no conflicts (2 of 4 stars). 2 submissions from 2 submitters: Uncertain significance (2). Last evaluated 2025-05-27.

Conditions:
Hypertrophic cardiomyopathy. Also called: HYPERTROPHIC MYOCARDIOPATHY. Identifiers: Orphanet 217569, MedGen C0007194, MeSH D002312, MONDO:0005045, HP:0001639.

Submissions (2):

GeneDx
Classification: Uncertain significance. Last evaluated: 2025-05-27. Review status: criteria provided, single submitter. Criteria: GeneDx Variant Classification Process June 2021. Collection method: clinical testing. Allele origin: germline. Affected: yes.
Comment: Not observed at significant frequency in large population cohorts (gnomAD); In silico analysis supports that this missense variant has a deleterious effect on protein structure/function; Has not been previously published as pathogenic or benign to our knowledge

Labcorp Genetics (formerly Invitae), Labcorp
Classification: Uncertain significance for Hypertrophic cardiomyopathy. Last evaluated: 2022-04-12. Review status: criteria provided, single submitter. Criteria: Invitae Variant Classification Sherloc (09022015). Collection method: clinical testing. Allele origin: germline.
Comment: In summary, the available evidence is currently insufficient to determine the role of this variant in disease. Therefore, it has been classified as a Variant of Uncertain Significance. Algorithms developed to predict the effect of missense changes on protein structure and function are either unavailable or do not agree on the potential impact of this missense change (SIFT: "Deleterious"; PolyPhen-2: "Possibly Damaging"; Align-GVGD: "Class C15"). ClinVar contains an entry for this variant (Variation ID: 1044028). This variant has not been reported in the literature in individuals affected with MYBPC3-related conditions. This variant is not present in population databases (gnomAD no frequency). This sequence change replaces threonine, which is neutral and polar, with isoleucine, which is neutral and non-polar, at codon 1101 of the MYBPC3 protein (p.Thr1101Ile).

NM_000256.3(MYBPC3):c.3302C>T (p.Thr1101Ile)

Gene: MYBPC3 (myosin binding protein C3; minus strand). Cytogenetic location: 11p11.2.
Variant type: single nucleotide variant.
Coding change: c.3302C>T on transcript NM_000256.3 (MANE Select); coding-DNA position 3302, C replaced by T.
Protein change: p.Thr1101Ile; replaces threonine 1101 with isoleucine.
Molecular consequence: missense variant.
Genome position (GRCh38, 1-based): chr11:47,333,222, G>A on the plus strand (C>T on the coding strand, the complement: MYBPC3 is on the minus strand). VCF-style: chr11-47333222-G-A. GRCh37 (hg19) VCF-style: chr11-47354773-G-A.
Other names: short protein forms T1101I.
Identifiers: ClinVar variation 1044028 (VCV001044028.9), dbSNP rs2095878977, ClinGen allele CA380314088.